The following is an entry in ClinVar:

ClinVar aggregate classification (germline): Likely pathogenic. Review status: criteria provided, single submitter (1 of 4 stars). 2 submissions from 2 submitters: Likely pathogenic (1). 1 of the submissions does not count toward it. Last evaluated 2016-05-13.

Conditions:
Hereditary breast ovarian cancer syndrome. Also called: Hereditary breast and ovarian cancer syndrome (HBOC); Hereditary breast and ovarian cancer syndrome; Hereditary breast and ovarian cancer; Hereditary breast and/or ovarian cancer syndrome; Breast and ovarian cancer; BRCA1- and BRCA2-Associated Hereditary Breast and Ovarian Cancer. Identifiers: Orphanet 145, MedGen C0677776, MeSH D061325, MONDO:0003582. Disease mechanism: loss of function.
Breast-ovarian cancer, familial, susceptibility to, 1 (BROVCA1). Also called: OVARIAN CANCER, SUSCEPTIBILITY TO; BRCA1 Hereditary Breast and Ovarian Cancer. Identifiers: Orphanet 145, MedGen C2676676, MONDO:0011450, OMIM 604370. Disease mechanism: loss of function.

Allele frequency attached by ClinVar (database versions not stated): gnomAD exomes below 0.00001.
gnomAD v4.1: 1 of 1,588,218 alleles (0.000063%); highest among the groups gnomAD compares: Non-Finnish European, 0.000086%; no homozygotes.

Submissions (3):

Women's Health and Genetics/Laboratory Corporation of America, LabCorp
Classification: Likely pathogenic for Hereditary breast ovarian cancer syndrome. Last evaluated: 2016-05-13. Review status: criteria provided, single submitter. Criteria: LabCorp Variant Classification Summary - May 2015. Collection method: clinical testing. Allele origin: germline.
Comment: Variant summary: The BRCA1 c.139T>G (p.Cys47Gly) variant involves the alteration of a conserved nucleotide resulting in a replacement of a conserved canonical Cysteine residue of the BRCA1 RING domain with a Glycine. Cysteine residues are known to be essential for Zn ion coordination and for proper folding of the RING domain of the BRCA1 protein (PMID: 11573085). Mutations of these Cysteine residues are known to be clinically relevant, and predispose individuals to cancer (BIC, HGMD). Consistently, 5/5 in silico tools predict this variant to be deleterious. Furthermore, it is absent in 111676 control chromosomes. It was reported in one early onset TNBC patient further supporting its pathogenicity. Multiple independent functional studies have demonstrated that this variant results in loss of homology directed repair activity of BRCA1 in addition to a loss of E3 ubiquitin ligase activity as well as its ability to bind to the UbcH5a protein. A congruence of multiple functional studies further supports a disease causing impact for this variant. Two databases classify variant as Pathogenic (UMD, HGMD). Moreover, BIC, HGMD, ClinVar list variants affecting the same codon as the variant of interest (C47F, C47Y, C47X) as pathogenic indicating the variant to be located in a mutational hotspot and further supporting a disease causing impact. Considering all available lines of evidence, the variant is classified as a Probably Disease causing (i.e., Likely Pathogenic) variant in the BRCA1 gene.

Breast Cancer Information Core (BIC) (BRCA1)
Classification: Uncertain significance for Breast-ovarian cancer, familial 1. Review status: no assertion criteria provided. Collection method: clinical testing. Allele origin: germline. Affected: yes. Observed: 1 variant allele. Not counted in ClinVar's aggregate classification.

Brotman Baty Institute, University of Washington
No classification provided (evidence only). Condition: Breast-ovarian cancer, familial 1. Review status: no classification provided. Collection method: in vitro. Allele origin: not applicable. Functional consequence: functionally_abnormal. Not counted in ClinVar's aggregate classification.
ClinVar note: "not provided" was previously submitted as the classification for the variant. However, the classification appeared to be based only on an observation of functional data so it was converted to no classification on 2025-07-30.

Literature cited by the submitters: PubMed 16403807 (cited by Women's Health and Genetics/Laboratory Corporation of America, LabCorp); PubMed 20103620 (cited by Women's Health and Genetics/Laboratory Corporation of America, LabCorp); PubMed 25823446 (cited by Women's Health and Genetics/Laboratory Corporation of America, LabCorp); PubMed 23161852 (cited by Women's Health and Genetics/Laboratory Corporation of America, LabCorp); PubMed 21725363 (cited by Women's Health and Genetics/Laboratory Corporation of America, LabCorp).

NM_007294.4(BRCA1):c.139T>G (p.Cys47Gly)

Gene: BRCA1 (BRCA1 DNA repair associated; minus strand). Cytogenetic location: 17q21.31.
Variant type: single nucleotide variant.
Coding change: c.139T>G on transcript NM_007294.4 (MANE Select); coding-DNA position 139, T replaced by G.
Protein change: p.Cys47Gly; replaces cysteine 47 with glycine.
Molecular consequence: missense variant. On other transcripts: 5 prime UTR variant (1), non-coding transcript variant (1).
Genome position (GRCh38, 1-based): chr17:43,106,529, A>C on the plus strand (T>G on the coding strand, the complement: BRCA1 is on the minus strand). VCF-style: chr17-43106529-A-C. GRCh37 (hg19) VCF-style: chr17-41258546-A-C.
Other names: c.139T>G, p.Cys47Gly (NM_001407676.1, NM_001407677.1, NM_001407678.1 and 168 more transcripts); c.-3T>G (NM_001407692.1, NM_001407694.1, NM_001407695.1 and 99 more transcripts); c.-50T>G (NM_001407853.1, NM_001407879.1, NM_001407881.1 and 58 more transcripts); short protein forms C47G.
Identifiers: ClinVar variation 54242 (VCV000054242.5), dbSNP rs80357370, ClinGen allele CA000943.